The following is an entry in ClinVar:

NM_001042545.2(LTBP4):c.2338C>T (p.Pro780Ser)

Gene: LTBP4 (latent transforming growth factor beta binding protein 4; plus strand). Cytogenetic location: 19q13.2.
Variant type: single nucleotide variant.
Coding change: c.2338C>T on transcript NM_001042545.2 (MANE Select); coding-DNA position 2338, C replaced by T.
Protein change: p.Pro780Ser; replaces proline 780 with serine.
Molecular consequence: missense variant.
Genome position (GRCh38, 1-based): chr19:40,613,103, C>T. VCF-style: chr19-40613103-C-T. GRCh37 (hg19) VCF-style: chr19-41119009-C-T.
Other names: c.2539C>T, p.Pro847Ser (NM_001042544.1); c.2428C>T, p.Pro810Ser (NM_003573.2); short protein forms P780S, P810S, P847S.
Identifiers: ClinVar variation 1219439 (VCV001219439.13), dbSNP rs576591245, ClinGen allele CA9448637.

ClinVar aggregate classification (germline): Likely benign. Review status: criteria provided, multiple submitters, no conflicts (2 of 4 stars). 3 submissions from 3 submitters: Likely benign (2). 1 of the submissions does not count toward it. Last evaluated 2025-12-08.

Conditions:
LTBP4-related disorder. Also called: LTBP4-related condition.

Allele frequency attached by ClinVar (database versions not stated): gnomAD exomes 0.00009 and 0.00047; gnomAD 0.00010 and 0.00011; 1000 Genomes Project 0.00020; TOPMed 0.00029; 1000 Genomes Project 30x 0.00031; ExAC 0.00058.
gnomAD v4.1: 144 of 1,609,386 alleles (0.0089%); highest among the groups gnomAD compares: Admixed American, 0.24%; 1 homozygote.

Submissions (3):

Labcorp Genetics (formerly Invitae), Labcorp
Classification: Likely benign. Last evaluated: 2025-12-08. Review status: criteria provided, single submitter. Criteria: Invitae Variant Classification Sherloc (09022015). Collection method: clinical testing. Allele origin: germline.

GeneDx
Classification: Likely benign. Last evaluated: 2020-10-19. Review status: criteria provided, single submitter. Criteria: GeneDx Variant Classification Process June 2021. Collection method: clinical testing. Allele origin: germline. Affected: yes.
Comment: In silico analysis, which includes protein predictors and evolutionary conservation, supports that this variant does not alter protein structure/function; Has not been previously published as pathogenic or benign to our knowledge

PreventionGenetics, part of Exact Sciences
Classification: Likely benign for LTBP4-related condition. Last evaluated: 2022-03-21. Review status: no assertion criteria provided. Collection method: clinical testing. Allele origin: germline. Not counted in ClinVar's aggregate classification.
Comment: This variant is classified as likely benign based on ACMG/AMP sequence variant interpretation guidelines (Richards et al. 2015 PMID: 25741868, with internal and published modifications).